The following is an entry in ClinVar:

ClinVar aggregate classification (germline): Uncertain significance. Review status: criteria provided, multiple submitters, no conflicts (2 of 4 stars). 2 submissions from 2 submitters: Uncertain significance (2). Last evaluated 2026-03-12.

Conditions:
Hereditary sensory and autonomic neuropathy type 1 (HSAN1). Also called: HSAN 1; HSN Type I; Hereditary Sensory Neuropathy Type I. Identifiers: Orphanet 36386, MedGen C0020071, MONDO:0018213.

Submissions (2):

GeneDx
Classification: Uncertain significance. Last evaluated: 2026-03-12. Review status: criteria provided, single submitter. Criteria: GeneDx Variant Classification Process June 2021. Collection method: clinical testing. Allele origin: germline.
Comment: Not observed at significant frequency in large population cohorts (gnomAD); In silico analysis suggests that this missense variant does not alter protein structure/function; Has not been previously published as pathogenic or benign to our knowledge

Labcorp Genetics (formerly Invitae), Labcorp
Classification: Uncertain significance for Hereditary sensory and autonomic neuropathy type 1. Last evaluated: 2024-09-10. Review status: criteria provided, single submitter. Criteria: Invitae Variant Classification Sherloc (09022015). Collection method: clinical testing. Allele origin: germline.
Comment: This sequence change replaces isoleucine, which is neutral and non-polar, with leucine, which is neutral and non-polar, at codon 195 of the SPTLC1 protein (p.Ile195Leu). This variant is not present in population databases (gnomAD no frequency). This variant has not been reported in the literature in individuals affected with SPTLC1-related conditions. Invitae Evidence Modeling of protein sequence and biophysical properties (such as structural, functional, and spatial information, amino acid conservation, physicochemical variation, residue mobility, and thermodynamic stability) indicates that this missense variant is not expected to disrupt SPTLC1 protein function with a negative predictive value of 80%. In summary, the available evidence is currently insufficient to determine the role of this variant in disease. Therefore, it has been classified as a Variant of Uncertain Significance.

NM_006415.4(SPTLC1):c.583A>C (p.Ile195Leu)

Gene: SPTLC1 (serine palmitoyltransferase long chain base subunit 1; minus strand). Cytogenetic location: 9q22.31.
Variant type: single nucleotide variant.
Coding change: c.583A>C on transcript NM_006415.4 (MANE Select); coding-DNA position 583, A replaced by C.
Protein change: p.Ile195Leu; replaces isoleucine 195 with leucine.
Molecular consequence: missense variant.
Genome position (GRCh38, 1-based): chr9:92,059,286, T>G on the plus strand (A>C on the coding strand, the complement: SPTLC1 is on the minus strand). VCF-style: chr9-92059286-T-G. GRCh37 (hg19) VCF-style: chr9-94821568-T-G.
Other names: c.583A>C, p.Ile195Leu (NM_001281303.2); c.217A>C, p.Ile73Leu (NM_001368272.1); c.118A>C, p.Ile40Leu (NM_001368273.1); short protein forms I195L, I40L, I73L.
Identifiers: ClinVar variation 3666509 (VCV003666509.3).
Genomic context (GRCh38, chr9:92,059,286, plus strand): 5'-CCATGTCATTATGCTTAAATAACTTAATGTCACTACGGGATGCCTGTAATCCTTTCTGAA[T>G]AGCAAAGCAGGCAGCTCTATCTCTGCAAGGAAAAGAGATCCACCAAATTGGGTTTAAAGG-3'
Protein context (NP_006406.1, residues 185-205): VFVDRAACFA[Ile195Leu]QKGLQASRSD